The following is an entry in ClinVar:

NM_002036.4(ACKR1):c.199C>T (p.Leu67Phe)

Gene: ACKR1 (atypical chemokine receptor 1 (Duffy blood group); plus strand). Cytogenetic location: 1q23.2.
Variant type: single nucleotide variant.
Coding change: c.199C>T on transcript NM_002036.4 (MANE Select); coding-DNA position 199, C replaced by T.
Protein change: p.Leu67Phe; replaces leucine 67 with phenylalanine.
Molecular consequence: missense variant.
Genome position (GRCh38, 1-based): chr1:159,205,638, C>T. VCF-style: chr1-159205638-C-T. GRCh37 (hg19) VCF-style: chr1-159175428-C-T.
Other names: c.205C>T, p.Leu69Phe (NM_001122951.3); short protein forms L67F, L69F.
Identifiers: ClinVar variation 1185002 (VCV001185002.2), dbSNP rs118062001, ClinGen allele CA1187675.

ClinVar aggregate classification (germline): Affects (0 of 4 stars; one submission).

Conditions:
Duffy Blood group system (FY). Identifiers: MedGen C0013278, OMIM 110700.

Allele frequency attached by ClinVar (database versions not stated): ESP Exome Variant Server 0.00023; gnomAD 0.00495 and 0.00601; TOPMed 0.00589; ExAC 0.01054; gnomAD exomes 0.01201; 1000 Genomes Project 30x 0.01999; 1000 Genomes Project 0.02157.
gnomAD v4.1: 6,152 of 1,614,208 alleles (0.38%); highest among the groups gnomAD compares: East Asian, 7.2%; 218 homozygotes.

Submission:

Australian Red Cross Blood Service
Classification: Affects for Duffy Blood group system. Last evaluated: 2021-07-01. Review status: no assertion criteria provided. Collection method: research. Allele origin: inherited. Inheritance: Codominant.
Comment: reduced expression of Fy(a) antigen observed.